The following is an entry in ClinVar:

NM_007294.4(BRCA1):c.3581C>T (p.Thr1194Ile)

Genes: BRCA1 (BRCA1 DNA repair associated; minus strand), LOC126862571 (BRD4-independent group 4 enhancer GRCh37_chr17:41243136-41244335; plus strand). Cytogenetic location: 17q21.31.
Variant type: single nucleotide variant.
Coding change: c.3581C>T on transcript NM_007294.4 (MANE Select); coding-DNA position 3581, C replaced by T.
Protein change: p.Thr1194Ile; replaces threonine 1194 with isoleucine.
Molecular consequence: missense variant. On other transcripts: intron variant (135).
Genome position (GRCh38, 1-based): chr17:43,091,950, G>A on the plus strand (C>T on the coding strand, the complement: BRCA1 is on the minus strand). VCF-style: chr17-43091950-G-A. GRCh37 (hg19) VCF-style: chr17-41243967-G-A.
Other names: 3700C>T; c.3368C>T, p.Thr1123Ile (NM_001407571.1, NM_001407853.1, NM_001407894.1 and 9 more transcripts); c.3581C>T, p.Thr1194Ile (NM_001407581.1, NM_001407582.1, NM_001407583.1 and 30 more transcripts); c.3578C>T, p.Thr1193Ile (NM_001407587.1, NM_001407590.1, NM_001407591.1 and 22 more transcripts); c.3572C>T, p.Thr1191Ile (NM_001407646.1, NM_001407647.1); c.3458C>T, p.Thr1153Ile (NM_001407648.1, NM_001407664.1, NM_001407665.1 and 19 more transcripts); c.3455C>T, p.Thr1152Ile (NM_001407649.1, NM_001407670.1, NM_001407671.1 and 11 more transcripts); c.3503C>T, p.Thr1168Ile (NM_001407653.1, NM_001407654.1, NM_001407655.1 and 4 more transcripts); and 42 more; short protein forms T1194I, T1147I, T1066I, T1083I, T1146I, T1153I, T326I, T1067I.
Identifiers: ClinVar variation 54922 (VCV000054922.28), dbSNP rs80357290, ClinGen allele CA002281.

ClinVar aggregate classification (germline): Conflicting classifications of pathogenicity. Review status: criteria provided, conflicting classifications (1 of 4 stars). 9 submissions from 9 submitters: Uncertain significance (5); Likely benign (2). 2 of the submissions do not count toward it. Last evaluated 2025-12-22.

Conditions:
Hereditary cancer-predisposing syndrome. Also called: Hereditary Cancer Syndrome; Hereditary neoplastic syndrome; Neoplastic Syndromes, Hereditary; Tumor predisposition. Identifiers: Orphanet 140162, MedGen C0027672, MeSH D009386, MONDO:0015356.
Breast-ovarian cancer, familial, susceptibility to, 1 (BROVCA1). Also called: BRCA1 Hereditary Breast and Ovarian Cancer; OVARIAN CANCER, SUSCEPTIBILITY TO. Identifiers: Orphanet 145, MedGen C2676676, MONDO:0011450, OMIM 604370. Disease mechanism: loss of function.
Hereditary breast ovarian cancer syndrome. Also called: BRCA1- and BRCA2-Associated Hereditary Breast and Ovarian Cancer; Hereditary breast and ovarian cancer syndrome; Hereditary breast and ovarian cancer syndrome (HBOC); Breast and ovarian cancer; Hereditary breast and/or ovarian cancer syndrome; Hereditary breast and ovarian cancer. Identifiers: Orphanet 145, MedGen C0677776, MeSH D061325, MONDO:0003582. Disease mechanism: loss of function.

Allele frequency attached by ClinVar (database versions not stated): gnomAD exomes 0.00001.
gnomAD v4.1: 12 of 1,614,060 alleles (0.00074%); highest among the groups gnomAD compares: Non-Finnish European, 0.00093%; no homozygotes.

Submissions (9):

Labcorp Genetics (formerly Invitae), Labcorp
Classification: Likely benign for Hereditary breast ovarian cancer syndrome. Last evaluated: 2025-12-22. Review status: criteria provided, single submitter. Criteria: Invitae Variant Classification Sherloc (09022015). Collection method: clinical testing. Allele origin: germline.

Color Diagnostics, LLC DBA Color Health
Classification: Uncertain significance for Hereditary cancer-predisposing syndrome. Last evaluated: 2025-08-27. Review status: criteria provided, single submitter. Criteria: ACMG Guidelines, 2015. Collection method: clinical testing. Allele origin: germline.
Comment: This missense variant replaces threonine with isoleucine at codon 1194 of the BRCA1 protein. Computational prediction suggests that this variant may not impact protein structure and function. To our knowledge, functional studies have not been reported for this variant. A multifactorial analysis has reached a combined likelihood ratio (LR) of 0.588 based on reported LR for co-occurrence with a pathogenic variant and personal and family history for 1 carrier (PMID: 31131967, 31853058). This variant has not been identified in the general population by the Genome Aggregation Database (gnomAD). The available evidence is insufficient to determine the role of this variant in disease conclusively. Therefore, this variant is classified as a Variant of Uncertain Significance.

Ambry Genetics
Classification: Uncertain significance for Hereditary cancer-predisposing syndrome. Last evaluated: 2025-08-21. Review status: criteria provided, single submitter. Criteria: Ambry Variant Classification Scheme 2023. Collection method: clinical testing. Allele origin: germline.
Comment: The p.T1194I variant (also known as c.3581C>T), located in coding exon 9 of the BRCA1 gene, results from a C to T substitution at nucleotide position 3581. The threonine at codon 1194 is replaced by isoleucine, an amino acid with similar properties. This amino acid position is poorly conserved in available vertebrate species. In addition, this alteration is predicted to be tolerated by in silico analysis. Based on the available evidence, the clinical significance of this variant remains unclear.

Quest Diagnostics Nichols Institute San Juan Capistrano
Classification: Uncertain significance. Last evaluated: 2024-09-13. Review status: criteria provided, single submitter. Criteria: Quest Diagnostics criteria. Collection method: clinical testing. Allele origin: unknown.
Comment: The BRCA1 c.3581C>T (p.Thr1194Ile) variant has been reported in the published literature in individuals with Breast and/or Ovarian Cancer (PMID: 16267036 (2005), 20051372 (2010)), and described to be located in a region of the BRCA1 gene that is tolerant to missense sequence changes (PMID: 31911673 (2020)). This variant was reported as being likely benign in a multifactorial likelihood study (PMID: 31131967 (2019)). This variant has not been reported in large, multi-ethnic general populations (Genome Aggregation Database). Analysis of this variant using bioinformatics tools for the prediction of the effect of amino acid changes on protein structure and function yielded predictions that this variant is benign. Based on the available information, we are unable to determine the clinical significance of this variant.

All of Us Research Program, National Institutes of Health
Classification: Uncertain significance for Breast-ovarian cancer, familial, susceptibility to, 1. Last evaluated: 2023-03-23. Review status: criteria provided, single submitter. Criteria: ACMG Guidelines, 2015. Collection method: clinical testing. Allele origin: germline. Inheritance: Autosomal dominant inheritance. Observed: 1 variant allele, 1 heterozygote.
Comment: This missense variant replaces threonine with isoleucine at codon 1194 of the BRCA1 protein. Computational prediction is inconclusive regarding the impact of this variant on protein structure and function (internally defined REVEL score threshold 0.5 < inconclusive < 0.7, PMID: 27666373). To our knowledge, functional studies have not been reported for this variant. A multifactorial analysis has reported likelihood ratios for pathogenicity of 1.0331 and 0.2775 based on co-occurrence and family history, respectively (PMID: 31131967). This variant has not been identified in the general population by the Genome Aggregation Database (gnomAD). The available evidence is insufficient to determine the role of this variant in disease conclusively. Therefore, this variant is classified as a Variant of Uncertain Significance.

This study involves interpretation of variants in research participants for the purpose of population health screening. Participant phenotype was not available at the time of variant classification. Additional details can be found in publication PMID: 35346344, PMCID: PMC8962531

University of Washington Department of Laboratory Medicine, University of Washington
Classification: Likely benign for Hereditary cancer-predisposing syndrome. Last evaluated: 2023-03-23. Review status: criteria provided, single submitter. Criteria: Dines et al. (Genet Med. 2020). Collection method: curation. Allele origin: germline.
Comment: Missense variant in a coldspot region where missense variants are very unlikely to be pathogenic (PMID:31911673).

BRCA1 coldspot (exon 11 using historical exon numbering). Reclassification based on statistical prior probability

Women's Health and Genetics/Laboratory Corporation of America, LabCorp
Classification: Uncertain significance. Last evaluated: 2022-05-23. Review status: criteria provided, single submitter. Criteria: LabCorp Variant Classification Summary - May 2015. Collection method: clinical testing. Allele origin: germline.
Comment: Variant summary: BRCA1 c.3581C>T (p.Thr1194Ile) results in a non-conservative amino acid change in the encoded protein sequence. Three of five in-silico tools predict a benign effect of the variant on protein function. The variant was absent in 250882 control chromosomes. The available data on variant occurrences in the general population are insufficient to allow any conclusion about variant significance. c.3581C>T has been reported in the literature in individuals with Breast and/or Ovarian Cancer. These reports do not provide unequivocal conclusions about association of the variant with Hereditary Breast And Ovarian Cancer Syndrome. To our knowledge, no experimental evidence demonstrating an impact on protein function has been reported. Three clinical diagnostic laboratories have submitted clinical-significance assessments for this variant to ClinVar after 2014 without evidence for independent evaluation (likely benign n=1, VUS n=2). Based on the evidence outlined above, the variant was classified as uncertain significance.

Sharing Clinical Reports Project (SCRP)
Classification: Uncertain significance for Breast-ovarian cancer, familial 1. Last evaluated: 2012-03-15. Review status: no assertion criteria provided. Collection method: clinical testing. Allele origin: germline. Not counted in ClinVar's aggregate classification.

Breast Cancer Information Core (BIC) (BRCA1)
Classification: Uncertain significance for Breast-ovarian cancer, familial 1. Last evaluated: 2004-02-20. Review status: no assertion criteria provided. Collection method: clinical testing. Allele origin: germline. Affected: yes. Observed: 1 variant allele. Not counted in ClinVar's aggregate classification.

Literature cited by the submitters: PubMed 31131967 (cited by 3 submitters); PubMed 31853058 (cited by Color Diagnostics, LLC DBA Color Health); PubMed 16267036 (cited by Quest Diagnostics Nichols Institute San Juan Capistrano and Women's Health and Genetics/Laboratory Corporation of America, LabCorp); PubMed 31911673 (cited by Quest Diagnostics Nichols Institute San Juan Capistrano); PubMed 23704879 (cited by Quest Diagnostics Nichols Institute San Juan Capistrano and Women's Health and Genetics/Laboratory Corporation of America, LabCorp); PubMed 20051372 (cited by Quest Diagnostics Nichols Institute San Juan Capistrano and Women's Health and Genetics/Laboratory Corporation of America, LabCorp); PubMed 15385441 (cited by Women's Health and Genetics/Laboratory Corporation of America, LabCorp).